The following is an entry in ClinVar:

ClinVar aggregate classification (germline): Uncertain significance (1 of 4 stars; one submission).

Submission:

Labcorp Genetics (formerly Invitae), Labcorp
Classification: Uncertain significance. Last evaluated: 2025-03-07. Review status: criteria provided, single submitter. Criteria: Invitae Variant Classification Sherloc (09022015). Collection method: clinical testing. Allele origin: germline.
Comment: This sequence change replaces glycine, which is neutral and non-polar, with arginine, which is basic and polar, at codon 150 of the CACNA1F protein (p.Gly150Arg). This variant is not present in population databases (gnomAD no frequency). This missense change has been observed in individuals with CACNA1F-related conditions (PMID: 12187427, 29453956, 30825406). This variant is also known as G148R. Invitae Evidence Modeling of protein sequence and biophysical properties (such as structural, functional, and spatial information, amino acid conservation, physicochemical variation, residue mobility, and thermodynamic stability) indicates that this missense variant is expected to disrupt CACNA1F protein function with a positive predictive value of 80%. In summary, the available evidence is currently insufficient to determine the role of this variant in disease. Therefore, it has been classified as a Variant of Uncertain Significance.

Literature cited by the submitters: PubMed 12187427; PubMed 29453956; PubMed 30825406.

NM_001256789.3(CACNA1F):c.448G>A (p.Gly150Arg)

Gene: CACNA1F (calcium voltage-gated channel subunit alpha1 F; minus strand). Cytogenetic location: Xp11.23.
Variant type: single nucleotide variant.
Coding change: c.448G>A on transcript NM_001256789.3 (MANE Select); coding-DNA position 448, G replaced by A.
Protein change: p.Gly150Arg; replaces glycine 150 with arginine.
Molecular consequence: missense variant.
Genome position (GRCh38, 1-based): chrX:49,230,923, C>T on the plus strand (G>A on the coding strand, the complement: CACNA1F is on the minus strand). VCF-style: chrX-49230923-C-T. GRCh37 (hg19) VCF-style: chrX-49087385-C-T.
Other names: c.253G>A, p.Gly85Arg (NM_001256790.3); c.448G>A, p.Gly150Arg (NM_005183.4); short protein forms G85R, G150R.
Identifiers: ClinVar variation 4737671 (VCV004737671.1).